The following is an entry in ClinVar:

NM_001845.6(COL4A1):c.2377G>A (p.Val793Met)

Gene: COL4A1 (collagen type IV alpha 1 chain; minus strand). Cytogenetic location: 13q34.
Variant type: single nucleotide variant.
Coding change: c.2377G>A on transcript NM_001845.6 (MANE Select); coding-DNA position 2377, G replaced by A.
Protein change: p.Val793Met; replaces valine 793 with methionine.
Molecular consequence: missense variant.
Genome position (GRCh38, 1-based): chr13:110,179,004, C>T on the plus strand (G>A on the coding strand, the complement: COL4A1 is on the minus strand). VCF-style: chr13-110179004-C-T. GRCh37 (hg19) VCF-style: chr13-110831351-C-T.
Other names: c.2377G>A (NM_001845.4, NM_001845.5); short protein forms V793M.
Identifiers: ClinVar variation 1396945 (VCV001396945.13), dbSNP rs769302846, ClinGen allele CA7047609.
Genomic context (GRCh38, chr13:110,179,004, plus strand): 5'-GTCCTCCAGGGGGACCCCTAGCTCCAGGGGGGCCTATTCCTGGAACTCCTGGAGACCCCA[C>T]GGAGCCTGGCAATCCAGGAGGTCCCGGTTCACCTGGAGAAGAAAAATTGAGAGTAAGCTG-3'
Protein context (NP_001836.3, residues 783-803): EPGPPGLPGS[Val793Met]GSPGVPGIGP

ClinVar aggregate classification (germline): Uncertain significance. Review status: criteria provided, multiple submitters, no conflicts (2 of 4 stars). 4 submissions from 4 submitters: Uncertain significance (3). 1 of the submissions does not count toward it. Last evaluated 2026-01-13.

Conditions:
COL4A1-related disorder. Also called: COL4A1-related disorders; COL4A1-related condition. Identifiers: MedGen CN376119, MONDO:0800461.

gnomAD v4.1: 26 of 1,611,488 alleles (0.0016%); highest among the groups gnomAD compares: African/African-American, 0.0067%; no homozygotes.

Submissions (4):

Labcorp Genetics (formerly Invitae), Labcorp
Classification: Uncertain significance. Last evaluated: 2026-01-13. Review status: criteria provided, single submitter. Criteria: Invitae Variant Classification Sherloc (09022015). Collection method: clinical testing. Allele origin: germline.
Comment: This sequence change replaces valine, which is neutral and non-polar, with methionine, which is neutral and non-polar, at codon 793 of the COL4A1 protein (p.Val793Met). This variant is present in population databases (rs769302846, gnomAD 0.006%). This variant has not been reported in the literature in individuals affected with COL4A1-related conditions. ClinVar contains an entry for this variant (Variation ID: 1396945). Invitae Evidence Modeling of protein sequence and biophysical properties (such as structural, functional, and spatial information, amino acid conservation, physicochemical variation, residue mobility, and thermodynamic stability) indicates that this missense variant is not expected to disrupt COL4A1 protein function with a negative predictive value of 95%. In summary, the available evidence is currently insufficient to determine the role of this variant in disease. Therefore, it has been classified as a Variant of Uncertain Significance.

CeGaT Center for Human Genetics Tuebingen
Classification: Uncertain significance. Last evaluated: 2026-01-01. Review status: criteria provided, single submitter. Criteria: CeGaT Center For Human Genetics Tuebingen Variant Classification Criteria Version 2. Collection method: clinical testing. Allele origin: germline. Affected: yes. Observed: 1 variant allele.
Comment: COL4A1: PM2

GeneDx
Classification: Uncertain significance. Last evaluated: 2024-06-11. Review status: criteria provided, single submitter. Criteria: GeneDx Variant Classification Process June 2021. Collection method: clinical testing. Allele origin: germline. Affected: yes.
Comment: Has not been previously published as pathogenic or benign to our knowledge; In silico analysis indicates that this missense variant does not alter protein structure/function; Occurs in the triple helical domain at the Y position in the canonical Gly-X-Y repeat; although this variant may have an effect on normal protein folding and function, missense substitution at the Y position is not a common mechanism of disease

PreventionGenetics, part of Exact Sciences
Classification: Uncertain significance for COL4A1-related condition. Last evaluated: 2024-01-07. Review status: no assertion criteria provided. Collection method: clinical testing. Allele origin: germline. Not counted in ClinVar's aggregate classification.
Comment: The COL4A1 c.2377G>A variant is predicted to result in the amino acid substitution p.Val793Met. To our knowledge, this variant has not been reported in the literature. This variant is reported in 0.0055% of alleles in individuals of East Asian descent in gnomAD. At this time, the clinical significance of this variant is uncertain due to the absence of conclusive functional and genetic evidence.